The following is an entry in ClinVar:

ClinVar aggregate classification (germline): Pathogenic (1 of 4 stars; one submission).

Conditions:
Osteogenesis imperfecta (OI). Identifiers: Orphanet 666, MedGen C0029434, MeSH D010013, MONDO:0019019.

Submission:

Genetics Department, Polish Mother's Memorial Hospital Research Institute
Classification: Pathogenic for Osteogenesis imperfecta. Last evaluated: 2020-04-06. Review status: criteria provided, single submitter. Criteria: ACMG Guidelines, 2015. Collection method: research. Allele origin: de novo. Affected: yes. Observed: 1 variant allele.

NM_000088.4(COL1A1):c.3370-1G>C

Gene: COL1A1 (collagen type I alpha 1 chain; minus strand). Cytogenetic location: 17q21.33.
Variant type: single nucleotide variant.
Coding change: c.3370-1G>C on transcript NM_000088.4 (MANE Select); the canonical splice acceptor site of the intron before coding-DNA position 3370, G replaced by C.
Molecular consequence: splice acceptor variant.
Genome position (GRCh38, 1-based): chr17:50,187,538, C>G on the plus strand (G>C on the coding strand, the complement: COL1A1 is on the minus strand). VCF-style: chr17-50187538-C-G. GRCh37 (hg19) VCF-style: chr17-48264899-C-G.
Identifiers: ClinVar variation 870105 (VCV000870105.2), dbSNP rs112042777, ClinGen allele CA291542965.
Genomic context (GRCh38, chr17:50,187,538, plus strand): 5'-ACTTACTCGGGGACCAGCAGGACCAGAGGCTCCAGAGGGACCTTGTTCACCAGGAGAGCC[C>G]TGAAGGACAGATAAAAAAGGCAGTTCAGGCCCAGTGAGCGTCAAATGTAGCCTGAGGGCC-3'